The following is an entry in ClinVar:

ClinVar aggregate classification (germline): Uncertain significance. Review status: criteria provided, multiple submitters, no conflicts (2 of 4 stars). 2 submissions from 2 submitters: Uncertain significance (2). Last evaluated 2021-11-19.

Conditions:
Hereditary cancer-predisposing syndrome. Also called: Tumor predisposition; Hereditary Cancer Syndrome; Hereditary neoplastic syndrome; Neoplastic Syndromes, Hereditary. Identifiers: Orphanet 140162, MedGen C0027672, MeSH D009386, MONDO:0015356.
Oligodontia-cancer predisposition syndrome. Also called: TOOTH AGENESIS-COLORECTAL CANCER SYNDROME. Identifiers: Orphanet 300576, MedGen C1837750, MONDO:0012075, OMIM 608615. Disease mechanism: loss of function.

Allele frequency attached by ClinVar (database versions not stated): TOPMed 0.00001.

Submissions (2):

Labcorp Genetics (formerly Invitae), Labcorp
Classification: Uncertain significance for Oligodontia-cancer predisposition syndrome. Last evaluated: 2021-11-19. Review status: criteria provided, single submitter. Criteria: Invitae Variant Classification Sherloc (09022015). Collection method: clinical testing. Allele origin: germline.
Comment: This sequence change replaces glycine, which is neutral and non-polar, with alanine, which is neutral and non-polar, at codon 755 of the AXIN2 protein (p.Gly755Ala). This variant is not present in population databases (gnomAD no frequency). This variant has not been reported in the literature in individuals affected with AXIN2-related conditions. Algorithms developed to predict the effect of missense changes on protein structure and function (SIFT, PolyPhen-2, Align-GVGD) all suggest that this variant is likely to be tolerated. In summary, the available evidence is currently insufficient to determine the role of this variant in disease. Therefore, it has been classified as a Variant of Uncertain Significance.

Ambry Genetics
Classification: Uncertain significance for Hereditary cancer-predisposing syndrome. Last evaluated: 2021-08-24. Review status: criteria provided, single submitter. Criteria: Ambry Variant Classification Scheme 2023. Collection method: clinical testing. Allele origin: germline.
Comment: The p.G755A variant (also known as c.2264G>C), located in coding exon 9 of the AXIN2 gene, results from a G to C substitution at nucleotide position 2264. The glycine at codon 755 is replaced by alanine, an amino acid with similar properties. This amino acid position is conserved. In addition, this alteration is predicted to be tolerated by in silico analysis. Since supporting evidence is limited at this time, the clinical significance of this alteration remains unclear.

NM_004655.4(AXIN2):c.2264G>C (p.Gly755Ala)

Gene: AXIN2 (axin 2; minus strand). Cytogenetic location: 17q24.1.
Variant type: single nucleotide variant.
Coding change: c.2264G>C on transcript NM_004655.4 (MANE Select); coding-DNA position 2264, G replaced by C.
Protein change: p.Gly755Ala; replaces glycine 755 with alanine.
Molecular consequence: missense variant.
Genome position (GRCh38, 1-based): chr17:65,534,053, C>G on the plus strand (G>C on the coding strand, the complement: AXIN2 is on the minus strand). VCF-style: chr17-65534053-C-G. GRCh37 (hg19) VCF-style: chr17-63530171-C-G.
Other names: c.2069G>C, p.Gly690Ala (NM_001363813.1); short protein forms G690A, G755A.
Identifiers: ClinVar variation 1469017 (VCV001469017.8), dbSNP rs981540341, ClinGen allele CA400675625.